The following is an entry in ClinVar:

ClinVar aggregate classification (germline): Uncertain significance (1 of 4 stars; one submission).

Submission:

Labcorp Genetics (formerly Invitae), Labcorp
Classification: Uncertain significance. Last evaluated: 2025-09-02. Review status: criteria provided, single submitter. Criteria: Invitae Variant Classification Sherloc (09022015). Collection method: clinical testing. Allele origin: germline.
Comment: This variant, c.354_371del, results in the deletion of 6 amino acid(s) of the FOXI3 protein (p.Ser119_Ala124del), but otherwise preserves the integrity of the reading frame. The frequency data for this variant in the population databases is considered unreliable, as metrics indicate poor data quality at this position in the gnomAD database. This variant has been observed in individual(s) with FOXI3-related conditions (PMID: 37041148). ClinVar contains an entry for this variant (Variation ID: 2427888). Algorithms developed to predict the effect of variants on gene product structure and function are not available or were not evaluated for this variant. Experimental studies have shown that this variant affects FOXI3 function (PMID: 37041148). In summary, the available evidence is currently insufficient to determine the role of this variant in disease. Therefore, it has been classified as a Variant of Uncertain Significance.

Literature cited by the submitters: PubMed 37041148.

NM_001135649.3(FOXI3):c.354_371del (p.Ser119_Ala124del)

Gene: FOXI3 (forkhead box I3; minus strand). Cytogenetic location: 2p11.2.
Variant type: Deletion.
Coding change: c.354_371del on transcript NM_001135649.3 (MANE Select); coding-DNA positions 354 to 371, 18 bases deleted (CTCGCCCGCCGCGCCCGC).
Protein change: p.Ser119_Ala124del.
Molecular consequence: inframe deletion.
Genome position (GRCh38, 1-based): chr2:88,452,165-88,452,182, GCGGGCGCGGCGGGCGAG deleted on the plus strand (CTCGCCCGCCGCGCCCGC on the coding strand, the reverse complement: FOXI3 is on the minus strand); deleting any 18 consecutive bases within chr2:88,452,165-88,452,198 gives the same sequence; the c. name uses the placement nearest the transcript's 3' end. VCF-style (leftmost placement, unchanged base first): chr2-88452164-CGCGGGCGCGGCGGGCGAG-C. GRCh37 (hg19) VCF-style: chr2-88751683-CGCGGGCGCGGCGGGCGAG-C.
Identifiers: ClinVar variation 2427888 (VCV002427888.6), dbSNP rs777673046, ClinGen allele CA1754047.